The following is an entry in ClinVar:

NM_006206.6(PDGFRA):c.2537A>C (p.Asp846Ala)

Gene: PDGFRA (platelet derived growth factor receptor alpha; plus strand). Cytogenetic location: 4q12.
Variant type: single nucleotide variant.
Coding change: c.2537A>C on transcript NM_006206.6 (MANE Select); coding-DNA position 2537, A replaced by C.
Protein change: p.Asp846Ala; replaces aspartic acid 846 with alanine.
Molecular consequence: missense variant.
Genome position (GRCh38, 1-based): chr4:54,285,938, A>C. VCF-style: chr4-54285938-A-C. GRCh37 (hg19) VCF-style: chr4-55152105-A-C.
Other names: c.2612A>C, p.Asp871Ala (NM_001347828.2); c.2537A>C, p.Asp846Ala (NM_001347829.2); c.2576A>C, p.Asp859Ala (NM_001347830.2); short protein forms D846A, D859A, D871A.
Identifiers: ClinVar variation 4530337 (VCV004530337.1).

ClinVar aggregate classification (somatic clinical impact): Tier I - Strong (1 of 4 stars; one submission).

Conditions:
Diffuse pediatric-type high-grade glioma, H3-wildtype and IDH-wildtype. Identifiers: MedGen C5669918, MONDO:0858939.

Submission:

Institute for Genomic Medicine (IGM) Clinical Laboratory, Nationwide Children's Hospital
Classification: Tier I - Strong for Diffuse pediatric-type high-grade glioma, H3-wildtype and IDH-wildtype. Assertion type: diagnostic. Clinical significance: supports diagnosis. Last evaluated: 2023-11-10. Review status: criteria provided, single submitter. Criteria: AMP/ASCO/CAP Guidelines, 2017. Collection method: clinical testing. Allele origin: somatic. Affected: yes.
Comment: Variant has Tier I (strong) clinical significance as a diagnostic inclusion criterion in diffuse pediatric-type high-grade glioma, H3-wildtype and IDH-wildtype, based on the following evidence: 1) Documented in one or more cancer databases (e.g., St. Jude Pecan, COSMIC, CIViC, OncoKB). 2) Appears in one or more well-established professional guidelines (e.g., World Health Organization [WHO]; National Comprehensive Cancer Network [NCCN]) as providing diagnostic, prognostic, or therapeutic information. 3) Diagnostic for a specific tumor type/classification based on well-powered studies with expert-level consensus (Evidence Level B; PMIDs: 24705251, 25230881, 28966033, 29763623, 24705250, 35332262).

Literature cited by the submitters: PubMed 24705251; PubMed 25230881; PubMed 28966033; PubMed 29763623; PubMed 24705250; PubMed 35332262.